The following is an entry in ClinVar:

NM_020812.4(DOCK6):c.2780T>A (p.Ile927Asn)

Gene: DOCK6 (dedicator of cytokinesis 6; minus strand). Cytogenetic location: 19p13.2.
Variant type: single nucleotide variant.
Coding change: c.2780T>A on transcript NM_020812.4 (MANE Select); coding-DNA position 2780, T replaced by A.
Protein change: p.Ile927Asn; replaces isoleucine 927 with asparagine.
Molecular consequence: missense variant.
Genome position (GRCh38, 1-based): chr19:11,228,974, A>T on the plus strand (T>A on the coding strand, the complement: DOCK6 is on the minus strand). VCF-style: chr19-11228974-A-T. GRCh37 (hg19) VCF-style: chr19-11339650-A-T.
Other names: c.2885T>A, p.Ile962Asn (NM_001367830.1); short protein forms I927N, I962N.
Identifiers: ClinVar variation 2630616 (VCV002630616.1), dbSNP rs2079719058, ClinGen allele CA404094081.
Genomic context (GRCh38, chr19:11,228,974, plus strand): 5'-ACCAGGCAGGGAGGAGGGGGTCTCACCATGAGCTGGAAGAAGAACCAGGCGTGCTGGAGG[A>T]TGGCCTCGCGTACGGCACTGCTGCTGACCACCCACTGCAGAGCCAGCTCCTCGTGAAGCA-3'
Protein context (NP_065863.2, residues 917-937): VVSSSAVREA[Ile927Asn]LQHAWFFFQL

ClinVar aggregate classification (germline): Uncertain significance (1 of 4 stars; one submission).

Conditions:
DOCK6-related disorder. Also called: DOCK6-related condition.

Allele frequency attached by ClinVar (database versions not stated): TOPMed below 0.00001; gnomAD exomes 0.00001.
gnomAD v4.1: 18 of 1,613,470 alleles (0.0011%); highest among the groups gnomAD compares: Non-Finnish European, 0.0013%; no homozygotes.

Submission:

PreventionGenetics, part of Exact Sciences
Classification: Uncertain significance for DOCK6-related condition. Last evaluated: 2023-03-08. Review status: criteria provided, single submitter. Criteria: ACMG Guidelines, 2015. Collection method: clinical testing. Allele origin: germline.
Comment: The DOCK6 c.2780T>A variant is predicted to result in the amino acid substitution p.Ile927Asn. To our knowledge, this variant has not been reported in the literature or in a large population database, indicating this variant is rare. At this time, the clinical significance of this variant is uncertain due to the absence of conclusive functional and genetic evidence.